The following is an entry in ClinVar:

NM_001111.5(ADAR):c.1454A>G (p.His485Arg)

Gene: ADAR (adenosine deaminase RNA specific; minus strand). Cytogenetic location: 1q21.3.
Variant type: single nucleotide variant.
Coding change: c.1454A>G on transcript NM_001111.5 (MANE Select); coding-DNA position 1454, A replaced by G.
Protein change: p.His485Arg; replaces histidine 485 with arginine.
Molecular consequence: missense variant.
Genome position (GRCh38, 1-based): chr1:154,601,188, T>C on the plus strand (A>G on the coding strand, the complement: ADAR is on the minus strand). VCF-style: chr1-154601188-T-C. GRCh37 (hg19) VCF-style: chr1-154573664-T-C.
Other names: c.569A>G, p.His190Arg (NM_001025107.3, NM_001193495.2, NM_001365046.1 and 3 more transcripts); c.1481A>G, p.His494Arg (NM_001365045.1); c.1454A>G, p.His485Arg (NM_015840.4, NM_015841.4); short protein forms H485R, H494R, H190R.
Identifiers: ClinVar variation 2159634 (VCV002159634.4), dbSNP rs770344843, ClinGen allele CA1131545.

ClinVar aggregate classification (germline): Uncertain significance (1 of 4 stars; one submission).

Conditions:
Symmetrical dyschromatosis of extremities (DSH). Also called: DYSCHROMATOSIS SYMMETRICA HEREDITARIA 1; RETICULATE ACROPIGMENTATION OF DOHI; SYMMETRIC DYSCHROMATOSIS OF THE EXTREMITIES; Dyschromatosis symmetrica hereditaria. Identifiers: Orphanet 41, MedGen C0406775, MONDO:0007483, OMIM 127400.
Aicardi-Goutieres syndrome 6 (AGS6). Identifiers: Orphanet 51, MedGen C3539013, MONDO:0014007, OMIM 615010.

Allele frequency attached by ClinVar (database versions not stated): TOPMed below 0.00001; gnomAD exomes 0.00001; ExAC 0.00002.
gnomAD v4.1: 10 of 1,614,244 alleles (0.00062%); highest among the groups gnomAD compares: South Asian, 0.0066%; no homozygotes.

Submission:

Labcorp Genetics (formerly Invitae), Labcorp
Classification: Uncertain significance for Aicardi-Goutieres syndrome 6; Symmetrical dyschromatosis of extremities. Last evaluated: 2023-07-26. Review status: criteria provided, single submitter. Criteria: Invitae Variant Classification Sherloc (09022015). Collection method: clinical testing. Allele origin: germline.
Comment: This variant has not been reported in the literature in individuals affected with ADAR-related conditions. In summary, the available evidence is currently insufficient to determine the role of this variant in disease. Therefore, it has been classified as a Variant of Uncertain Significance. Advanced modeling of protein sequence and biophysical properties (such as structural, functional, and spatial information, amino acid conservation, physicochemical variation, residue mobility, and thermodynamic stability) performed at Invitae indicates that this missense variant is not expected to disrupt ADAR protein function. ClinVar contains an entry for this variant (Variation ID: 2159634). This variant is present in population databases (rs770344843, gnomAD 0.01%). This sequence change replaces histidine, which is basic and polar, with arginine, which is basic and polar, at codon 485 of the ADAR protein (p.His485Arg).